The following is an entry in ClinVar:

ClinVar aggregate classification (germline): Uncertain significance. Review status: criteria provided, multiple submitters, no conflicts (2 of 4 stars). 5 submissions from 5 submitters: Uncertain significance (5). Last evaluated 2024-07-01.

Conditions:
Primary ciliary dyskinesia. Also called: Ciliary dyskinesia. Identifiers: Orphanet 244, MedGen C0008780, MONDO:0016575, HP:0012265.

Allele frequency attached by ClinVar (database versions not stated): ExAC 0.00012; TOPMed 0.00012; ESP Exome Variant Server 0.00015; gnomAD 0.00015 and 0.00016; gnomAD exomes 0.00029 and 0.00015.

Submissions (5):

Blueprint Genetics
Classification: Uncertain significance. Last evaluated: 2024-07-01. Review status: criteria provided, single submitter. Criteria: ACMG Guidelines, 2015. Collection method: clinical testing. Allele origin: germline.

Mayo Clinic Laboratories, Mayo Clinic
Classification: Uncertain significance. Last evaluated: 2023-07-18. Review status: criteria provided, single submitter. Criteria: ACMG Guidelines, 2015. Collection method: clinical testing. Allele origin: germline. Observed: 1 variant allele.
Comment: BP4

Ambry Genetics
Classification: Uncertain significance. Last evaluated: 2023-03-20. Review status: criteria provided, single submitter. Criteria: Ambry Variant Classification Scheme 2023. Collection method: clinical testing. Allele origin: germline.

Labcorp Genetics (formerly Invitae), Labcorp
Classification: Uncertain significance for Primary ciliary dyskinesia. Last evaluated: 2021-10-19. Review status: criteria provided, single submitter. Criteria: Invitae Variant Classification Sherloc (09022015). Collection method: clinical testing. Allele origin: germline.
Comment: This sequence change replaces arginine with cysteine at codon 398 of the DNAH8 protein (p.Arg398Cys). The arginine residue is moderately conserved and there is a large physicochemical difference between arginine and cysteine. This variant is present in population databases (rs370751861, ExAC 0.02%). This variant has not been reported in the literature in individuals affected with DNAH8-related conditions. ClinVar contains an entry for this variant (Variation ID: 238633). Algorithms developed to predict the effect of missense changes on protein structure and function (SIFT, PolyPhen-2, Align-GVGD) all suggest that this variant is likely to be tolerated. In summary, the available evidence is currently insufficient to determine the role of this variant in disease. Therefore, it has been classified as a Variant of Uncertain Significance.

Breakthrough Genomics
Classification: Uncertain significance. Review status: criteria provided, single submitter. Criteria: ACMG Guidelines, 2015. Collection method: not provided. Allele origin: germline. Inheritance: Autosomal recessive inheritance. Affected: yes.

NM_001206927.2(DNAH8):c.1192C>T (p.Arg398Cys)

Gene: DNAH8 (dynein axonemal heavy chain 8; plus strand). Cytogenetic location: 6p21.2.
Variant type: single nucleotide variant.
Coding change: c.1192C>T on transcript NM_001206927.2 (MANE Select); coding-DNA position 1192, C replaced by T.
Protein change: p.Arg398Cys; replaces arginine 398 with cysteine.
Molecular consequence: missense variant.
Genome position (GRCh38, 1-based): chr6:38,741,786, C>T. VCF-style: chr6-38741786-C-T. GRCh37 (hg19) VCF-style: chr6-38709562-C-T.
Other names: p.Arg398Cys; c.541C>T, p.Arg181Cys (NM_001371.4); short protein forms R398C, R181C.
Identifiers: ClinVar variation 238633 (VCV000238633.9), dbSNP rs370751861, ClinGen allele CA3788159.